The following is an entry in ClinVar:

ClinVar aggregate classification (germline): Uncertain significance (1 of 4 stars; one submission).

gnomAD v4.1: 1 of 1,614,164 alleles (0.000062%); highest among the groups gnomAD compares: South Asian, 0.0011%; no homozygotes.

Submission:

Labcorp Genetics (formerly Invitae), Labcorp
Classification: Uncertain significance. Last evaluated: 2022-07-22. Review status: criteria provided, single submitter. Criteria: Invitae Variant Classification Sherloc (09022015). Collection method: clinical testing. Allele origin: germline.
Comment: This variant has not been reported in the literature in individuals affected with OPN1SW-related conditions. In summary, the available evidence is currently insufficient to determine the role of this variant in disease. Therefore, it has been classified as a Variant of Uncertain Significance. Algorithms developed to predict the effect of missense changes on protein structure and function output the following: SIFT: "Tolerated"; PolyPhen-2: "Benign"; Align-GVGD: "Class C0". The isoleucine amino acid residue is found in multiple mammalian species, which suggests that this missense change does not adversely affect protein function. This variant is not present in population databases (gnomAD no frequency). This sequence change replaces methionine, which is neutral and non-polar, with isoleucine, which is neutral and non-polar, at codon 272 of the OPN1SW protein (p.Met272Ile).

NM_001385125.1(OPN1SW):c.807G>A (p.Met269Ile)

Gene: OPN1SW (opsin 1, short wave sensitive; minus strand). Cytogenetic location: 7q32.1.
Variant type: single nucleotide variant.
Coding change: c.807G>A on transcript NM_001385125.1 (MANE Select); coding-DNA position 807, G replaced by A.
Protein change: p.Met269Ile; replaces methionine 269 with isoleucine.
Molecular consequence: missense variant.
Genome position (GRCh38, 1-based): chr7:128,773,760, C>T on the plus strand (G>A on the coding strand, the complement: OPN1SW is on the minus strand). VCF-style: chr7-128773760-C-T. GRCh37 (hg19) VCF-style: chr7-128413814-C-T.
Other names: short protein forms M269I.
Identifiers: ClinVar variation 1722203 (VCV001722203.5), dbSNP rs757952838, ClinGen allele CA369217778.
Genomic context (GRCh38, chr7:128,773,760, plus strand): 5'-GGAGAAGAATGAAGGAATGGTGACAAGCCGTAAGTCCAGCCCATGGTTACGGTTGTTGAC[C>T]ATGTACATGGCGAAGGCCGCGTAGGGCACGTAGCAGACACAGAAGGATCCTACCATCACA-3'
Protein context (NP_001372054.1, residues 259-279): YVPYAAFAMY[Met269Ile]VNNRNHGLDL